The following is an entry in ClinVar:

ClinVar aggregate classification (germline): Conflicting classifications of pathogenicity. Review status: criteria provided, conflicting classifications (1 of 4 stars). 3 submissions from 3 submitters: Uncertain significance (1); Likely benign (2). Last evaluated 2025-05-26.

Conditions:
Intellectual developmental disorder, autosomal dominant 3. Also called: Intellectual disability, autosomal dominant 3. Identifiers: MedGen C2675488, MONDO:0012946, OMIM 612580.

Allele frequency attached by ClinVar (database versions not stated): gnomAD 0.00006 and 0.00007; TOPMed 0.00006; ExAC 0.00012; ESP Exome Variant Server 0.00023; gnomAD exomes 0.00006.
gnomAD v4.1: 58 of 1,605,514 alleles (0.0036%); highest among the groups gnomAD compares: Middle Eastern, 0.016%; no homozygotes.

Submissions (3):

Ambry Genetics
Classification: Uncertain significance. Last evaluated: 2025-05-26. Review status: criteria provided, single submitter. Criteria: Ambry Variant Classification Scheme 2023. Collection method: clinical testing. Allele origin: germline.

CeGaT Center for Human Genetics Tuebingen
Classification: Likely benign. Last evaluated: 2023-05-01. Review status: criteria provided, single submitter. Criteria: CeGaT Center For Human Genetics Tuebingen Variant Classification Criteria Version 2. Collection method: clinical testing. Allele origin: germline. Affected: yes. Observed: 1 variant allele.
Comment: CDH15: BP4, BS2

Mendelics
Classification: Likely benign for Intellectual developmental disorder, autosomal dominant 3. Last evaluated: 2019-05-28. Review status: criteria provided, single submitter. Criteria: Mendelics Assertion Criteria 2017. Collection method: clinical testing. Allele origin: unknown.

NM_004933.3(CDH15):c.568C>T (p.Arg190Trp)

Gene: CDH15 (cadherin 15; plus strand). Cytogenetic location: 16q24.3.
Variant type: single nucleotide variant.
Coding change: c.568C>T on transcript NM_004933.3 (MANE Select); coding-DNA position 568, C replaced by T.
Protein change: p.Arg190Trp; replaces arginine 190 with tryptophan.
Molecular consequence: missense variant.
Genome position (GRCh38, 1-based): chr16:89,185,238, C>T. VCF-style: chr16-89185238-C-T. GRCh37 (hg19) VCF-style: chr16-89251646-C-T.
Other names: c.568C>T (NM_004933.2); short protein forms R190W.
Identifiers: ClinVar variation 803282 (VCV000803282.26), dbSNP rs137923863, ClinGen allele CA8238895.